The following is an entry in ClinVar:

ClinVar aggregate classification (germline): Uncertain significance (1 of 4 stars; one submission).

Conditions:
Carnitine palmitoyl transferase 1A deficiency. Also called: Carnitine palmitoyltransferase 1A deficiency; CPT deficiency, hepatic, type IA; Carnitine palmitoyltransferase type I deficiency; CPT I DEFICIENCY; CPT DEFICIENCY, HEPATIC, TYPE I. Identifiers: Orphanet 156, MedGen C1829703, MONDO:0009705, OMIM 255120.

Submission:

Labcorp Genetics (formerly Invitae), Labcorp
Classification: Uncertain significance for Carnitine palmitoyl transferase 1A deficiency. Last evaluated: 2022-05-15. Review status: criteria provided, single submitter. Criteria: Invitae Variant Classification Sherloc (09022015). Collection method: clinical testing. Allele origin: germline.
Comment: This variant is not present in population databases (gnomAD no frequency). This sequence change replaces threonine, which is neutral and polar, with proline, which is neutral and non-polar, at codon 93 of the CPT1A protein (p.Thr93Pro). This variant has not been reported in the literature in individuals affected with CPT1A-related conditions. In summary, the available evidence is currently insufficient to determine the role of this variant in disease. Therefore, it has been classified as a Variant of Uncertain Significance. Algorithms developed to predict the effect of missense changes on protein structure and function (SIFT, PolyPhen-2, Align-GVGD) all suggest that this variant is likely to be tolerated.

NM_001876.4(CPT1A):c.277A>C (p.Thr93Pro)

Gene: CPT1A (carnitine palmitoyltransferase 1A; minus strand). Cytogenetic location: 11q13.3.
Variant type: single nucleotide variant.
Coding change: c.277A>C on transcript NM_001876.4 (MANE Select); coding-DNA position 277, A replaced by C.
Protein change: p.Thr93Pro; replaces threonine 93 with proline.
Molecular consequence: missense variant.
Genome position (GRCh38, 1-based): chr11:68,812,441, T>G on the plus strand (A>C on the coding strand, the complement: CPT1A is on the minus strand). VCF-style: chr11-68812441-T-G. GRCh37 (hg19) VCF-style: chr11-68579909-T-G.
Other names: c.277A>C, p.Thr93Pro (NM_001031847.3); short protein forms T93P.
Identifiers: ClinVar variation 1415468 (VCV001415468.6), dbSNP rs2154001156, ClinGen allele CA381637737.
Genomic context (GRCh38, chr11:68,812,441, plus strand): 5'-ACAGCAATAAAATCGGTAACTTCCCAGACAATTGGAGATTTCACAGGATTACTTACGCCG[T>G]TTCCAGAGTCCGATTGATTTTTGCAATTATTCCTAACGAGGGGTCGATCTTGGCGTACAT-3'
Protein context (NP_001867.2, residues 83-103): IIAKINRTLE[Thr93Pro]ANCMSSQTKN